The following is an entry in ClinVar:

NM_001039141.3(TRIOBP):c.6049G>C (p.Asp2017His)

Gene: TRIOBP (TRIO and F-actin binding protein; plus strand). Cytogenetic location: 22q13.1.
Variant type: single nucleotide variant.
Coding change: c.6049G>C on transcript NM_001039141.3 (MANE Select); coding-DNA position 6049, G replaced by C.
Protein change: p.Asp2017His; replaces aspartic acid 2017 with histidine.
Molecular consequence: missense variant.
Genome position (GRCh38, 1-based): chr22:37,757,974, G>C. VCF-style: chr22-37757974-G-C. GRCh37 (hg19) VCF-style: chr22-38153981-G-C.
Other names: c.910G>C, p.Asp304His (NM_007032.5, NM_138632.2); short protein forms D2017H, D304H.
Identifiers: ClinVar variation 1065065 (VCV001065065.3), dbSNP rs766424671, ClinGen allele CA411507546.
Genomic context (GRCh38, chr22:37,757,974, plus strand): 5'-ACCCCAGAGGTGCCTGCTGGTGAGGGGCCGCGCCGGGGCCTGGGTGCCCCCCTGACTGAG[G>C]ACCAGCAAAACCGGCTTAGTGAGGAGATCGAGAAGAAGTGGCAGGAGCTGGAGAAGCTGC-3'
Protein context (NP_001034230.1, residues 2007-2027): RRGLGAPLTE[Asp2017His]QQNRLSEEIE

ClinVar aggregate classification (germline): Uncertain significance (1 of 4 stars; one submission).

Conditions:
Hearing impairment. Also called: Impaired Hearing. Identifiers: MedGen C1384666, MONDO:0005365, HP:0000365.

gnomAD v4.1: 3 of 1,580,910 alleles (0.00019%); highest among the groups gnomAD compares: Non-Finnish European, 0.00017%; no homozygotes.

Submission:

Department of Otolaryngology – Head & Neck Surgery, Cochlear Implant Center
Classification: Uncertain significance for Hearing impairment. Last evaluated: 2021-04-12. Review status: criteria provided, single submitter. Criteria: ClinGen HL ACMG Specifications v1. Collection method: clinical testing. Allele origin: germline. Affected: yes.
Comment: PM2_Moderate, PP3_Supporting